The following is an entry in ClinVar:

ClinVar aggregate classification (germline): Pathogenic/Likely pathogenic. Review status: criteria provided, multiple submitters, no conflicts (2 of 4 stars). 2 submissions from 2 submitters: Pathogenic (1); Likely pathogenic (1). Last evaluated 2024-10-23.

Conditions:
Elliptocytosis 1 (EL1). Also called: 4.1- TRAIT; 4.1-MINUS TRAIT; ELLIPTOCYTOSIS, RHESUS-LINKED TYPE; PROTEIN 4.1 OF ERYTHROCYTE MEMBRANE, DEFECT OF. Identifiers: Orphanet 288, MedGen C2678497, MONDO:0012731, OMIM 611804.
EPB41-related disorder. Also called: EPB41-related condition.

gnomAD v4.1: 1 of 1,614,018 alleles (0.000062%); highest among the groups gnomAD compares: Non-Finnish European, 0.000085%; no homozygotes.

Submissions (2):

Revvity Omics, Revvity
Classification: Likely pathogenic for Elliptocytosis 1. Last evaluated: 2024-10-23. Review status: criteria provided, single submitter. Criteria: ACMG Guidelines, 2015. Collection method: clinical testing. Allele origin: germline.

PreventionGenetics, part of Exact Sciences
Classification: Pathogenic for EPB41-related condition. Last evaluated: 2023-05-14. Review status: criteria provided, single submitter. Criteria: ACMG Guidelines, 2015. Collection method: clinical testing. Allele origin: germline.
Comment: The EPB41 c.784C>T variant is predicted to result in premature protein termination (p.Arg262*). This variant was reported in an mother and son with elliptocytosis (Niss et al 2016. PubMed ID: 27667160). This variant has not been reported in a large population database, indicating this variant is rare. Nonsense variants in EPB41 are expected to be pathogenic. This variant is interpreted as pathogenic.

NM_001376013.1(EPB41):c.1411C>T (p.Arg471Ter)

Gene: EPB41 (erythrocyte membrane protein band 4.1; plus strand). Cytogenetic location: 1p35.3.
Variant type: single nucleotide variant.
Coding change: c.1411C>T on transcript NM_001376013.1 (MANE Select); coding-DNA position 1411, C replaced by T.
Protein change: p.Arg471Ter; replaces arginine 471 with a stop codon.
Molecular consequence: nonsense.
Genome position (GRCh38, 1-based): chr1:29,035,871, C>T. VCF-style: chr1-29035871-C-T. GRCh37 (hg19) VCF-style: chr1-29362383-C-T.
Other names: c.1306C>T, p.Arg436Ter (NM_203343.3); c.1411C>T, p.Arg471Ter (NM_001166005.2, NM_001166006.2, NM_001376014.1 and 7 more transcripts); c.784C>T, p.Arg262Ter (NM_001166007.2, NM_001376022.1, NM_001376023.1 and 7 more transcripts); short protein forms R262*, R436*, R471*.
Identifiers: ClinVar variation 2633316 (VCV002633316.2), dbSNP rs2548180428, ClinGen allele CA339522645.
Genomic context (GRCh38, chr1:29,035,871, plus strand): 5'-TTTGTGTTTTTGTAGCAAGAGCAGTATGAAAGTACCATCGGATTCAAACTTCCCAGTTAC[C>T]GAGCAGCTAAGAAATTATGGAAAGTCTGTGTAGAACATCACACGTTTTTCAGGTATTATT-3'